The following is an entry in ClinVar:

NM_000237.3(LPL):c.1421C>G (p.Ser474Ter)

Gene: LPL (lipoprotein lipase; plus strand). Cytogenetic location: 8p21.3.
Variant type: single nucleotide variant.
Coding change: c.1421C>G on transcript NM_000237.3 (MANE Select); coding-DNA position 1421, C replaced by G.
Protein change: p.Ser474Ter; replaces serine 474 with a stop codon.
Molecular consequence: nonsense.
Genome position (GRCh38, 1-based): chr8:19,962,213, C>G. VCF-style: chr8-19962213-C-G. GRCh37 (hg19) VCF-style: chr8-19819724-C-G.
Other names: S447*; LPL, SER447TER (rs328); p.Ser474*; short protein forms S474*.
Identifiers: ClinVar variation 1534 (VCV000001534.22), dbSNP rs328, ClinGen allele CA115037.

ClinVar aggregate classification (germline): Benign/Likely benign. Review status: criteria provided, multiple submitters, no conflicts (2 of 4 stars). 12 submissions from 12 submitters: Benign (9); Likely benign (1). 2 of the submissions do not count toward it. Last evaluated 2026-02-04.

Conditions:
LPL-related disorder. Also called: LPL-related condition.
Cardiovascular phenotype. Identifiers: MedGen CN230736.
Hyperlipidemia, familial combined, LPL related (FCHL3). Also called: Hyperapobetalipoproteinemia. Identifiers: MedGen C0020474, MONDO:0007759, OMIM 144250, HP:0008158.
Hyperlipoproteinemia, type I. Also called: Familial hyperlipo-proteinemia type 1; Hyperlipemia essential familial; Lipoprotein Lipase Deficiency; Hyperlipoproteinemia type 1; Hyperchylomicro-nemia familial; Familial chylomicronemia. Identifiers: Orphanet 309015, Orphanet 444490, MedGen C0023817, MONDO:0009387, OMIM 238600. Disease mechanism: loss of function.

Allele frequency attached by ClinVar (database versions not stated): TOPMed 0.08793; gnomAD 0.08934 and 0.08970; gnomAD exomes 0.09216; 1000 Genomes Project 0.09245; ExAC 0.09350; 1000 Genomes Project 30x 0.09354.
gnomAD v4.1: 156,015 of 1,611,322 alleles (9.7%); highest among the groups gnomAD compares: East Asian, 12%; 7,879 homozygotes.

Submissions (12):

Labcorp Genetics (formerly Invitae), Labcorp
Classification: Benign. Last evaluated: 2026-02-04. Review status: criteria provided, single submitter. Criteria: Invitae Variant Classification Sherloc (09022015). Collection method: clinical testing. Allele origin: germline.

Molecular Diagnostic Laboratory for Inherited Cardiovascular Disease, Montreal Heart Institute
Classification: Benign. Last evaluated: 2025-04-09. Review status: criteria provided, single submitter. Criteria: ACMG Guidelines, 2015. Collection method: clinical testing. Allele origin: germline. Affected: no.

Blueprint Genetics
Classification: Likely benign. Last evaluated: 2024-11-27. Review status: criteria provided, single submitter. Criteria: ACMG Guidelines, 2015. Collection method: clinical testing. Allele origin: germline.

Mayo Clinic Laboratories, Mayo Clinic
Classification: Benign. Last evaluated: 2023-02-02. Review status: criteria provided, single submitter. Criteria: ACMG Guidelines, 2015. Collection method: clinical testing. Allele origin: germline. Observed: 117 variant alleles.
Comment: BA1

Fulgent Genetics
Classification: Benign for Hyperlipidemia, familial combined, LPL related; Hyperlipoproteinemia, type I. Last evaluated: 2022-05-02. Review status: criteria provided, single submitter. Criteria: ACMG Guidelines, 2015. Collection method: clinical testing. Allele origin: unknown.

Women's Health and Genetics/Laboratory Corporation of America, LabCorp
Classification: Benign. Last evaluated: 2021-12-16. Review status: criteria provided, single submitter. Criteria: LabCorp Variant Classification Summary - May 2015. Collection method: clinical testing. Allele origin: germline.
Comment: Variant summary: LPL c.1421C>G (p.Ser474X) results in a premature termination two codons before the normal termination codon. The variant allele was found at a frequency of 0.092 in 251182 control chromosomes in the gnomAD database, including 1212 homozygotes. The observed variant frequency is approximately 27-fold of the estimated maximal expected allele frequency for a pathogenic variant in LPL causing Familial Lipoprotein Lipase Deficiency phenotype (0.0034), strongly suggesting that the variant is benign. Three ClinVar submitters have assessed this variant since 2014: all have classified the variant as benign. Based on the evidence outlined above, the variant was classified as benign.

Ambry Genetics
Classification: Benign for Cardiovascular phenotype. Last evaluated: 2018-12-03. Review status: criteria provided, single submitter. Criteria: Ambry Variant Classification Scheme 2023. Collection method: clinical testing. Allele origin: germline.

GeneDx
Classification: Benign. Last evaluated: 2018-09-17. Review status: criteria provided, single submitter. Criteria: GeneDx Variant Classification Process June 2021. Collection method: clinical testing. Allele origin: germline. Affected: yes.
Comment: This variant is associated with the following publications: (PMID: 33339817, 8839720, 33111339, 15049943, 28267856, 23050023, 26999119, 26975783, 24974629, 24603370, 28640651, 29687697, 29632382, 29083407, 27516387, 29083408, 27984852, 27535653, 24704550, 26934567, 27055971, 28008009, 2216713, 17029199, 15793775, 21162862, 21816453, 25525159, 24039871, 19148283, 17560523, 19034041, 19664517, 19556723, 18187430, 19368142, 23113749, 25579610, 24176758, 19367320, 19018513, 17291198, 10450862, 17555736, 22244040, 18922999, 19185650)

Illumina Laboratory Services, Illumina
Classification: Benign for Hyperlipoproteinemia, type I. Last evaluated: 2018-03-06. Review status: criteria provided, single submitter. Criteria: ICSL Variant Classification Criteria 13 December 2019. Collection method: clinical testing. Allele origin: germline.
Comment: This variant was observed in the ICSL laboratory as part of a predisposition screen in an ostensibly healthy population. It had not been previously curated by ICSL or reported in the Human Gene Mutation Database (HGMD: prior to June 1st, 2018), and was therefore a candidate for classification through an automated scoring system. Utilizing variant allele frequency, disease prevalence and penetrance estimates, and inheritance mode, an automated score was calculated to assess if this variant is too frequent to cause the disease. Based on the score and internal cut-off values, a variant classified as benign is not then subjected to further curation. The score for this variant resulted in a classification of benign for this disease.

Breakthrough Genomics
Classification: Benign. Review status: criteria provided, single submitter. Criteria: ACMG Guidelines, 2015. Collection method: not provided. Allele origin: germline. Inheritance: Autosomal recessive inheritance. Affected: yes.

PreventionGenetics, part of Exact Sciences
Classification: Benign for LPL-related condition. Last evaluated: 2023-06-19. Review status: no assertion criteria provided. Collection method: clinical testing. Allele origin: germline. Not counted in ClinVar's aggregate classification.
Comment: This variant is classified as benign based on ACMG/AMP sequence variant interpretation guidelines (Richards et al. 2015 PMID: 25741868, with internal and published modifications).

OMIM
Classification: Benign for LPL POLYMORPHISM. Last evaluated: 1992-01-15. Review status: no assertion criteria provided. Collection method: literature only. Allele origin: germline. Not counted in ClinVar's aggregate classification.

Literature cited by the submitters: PubMed 24704550 (cited by Mayo Clinic Laboratories, Mayo Clinic); PubMed 1907278 (cited by OMIM); PubMed 1731801 (cited by OMIM).